The following is an entry in ClinVar:

NM_018896.5(CACNA1G):c.3474T>G (p.His1158Gln)

Gene: CACNA1G (calcium voltage-gated channel subunit alpha1 G; plus strand). Cytogenetic location: 17q21.33.
Variant type: single nucleotide variant.
Coding change: c.3474T>G on transcript NM_018896.5 (MANE Select); coding-DNA position 3474, T replaced by G.
Protein change: p.His1158Gln; replaces histidine 1158 with glutamine.
Molecular consequence: missense variant. On other transcripts: non-coding transcript variant (5).
Genome position (GRCh38, 1-based): chr17:50,599,643, T>G. VCF-style: chr17-50599643-T-G. GRCh37 (hg19) VCF-style: chr17-48677004-T-G.
Other names: c.3474T>G, p.His1158Gln (NM_001256324.2, NM_001256325.2, NM_001256326.2 and 16 more transcripts); c.3405T>G, p.His1135Gln (NM_001256332.2, NM_198376.3, NM_198379.3 and 5 more transcripts); short protein forms H1135Q, H1158Q.
Identifiers: ClinVar variation 1723813 (VCV001723813.2), dbSNP rs2046220813, ClinGen allele CA400253448.

ClinVar aggregate classification (germline): Uncertain significance (1 of 4 stars; one submission).

Allele frequency attached by ClinVar (database versions not stated): gnomAD exomes below 0.00001; TOPMed below 0.00001.
gnomAD v4.1: 4 of 1,613,022 alleles (0.00025%); highest among the groups gnomAD compares: East Asian, 0.0022%; no homozygotes.

Submission:

GeneDx
Classification: Uncertain significance. Last evaluated: 2022-05-11. Review status: criteria provided, single submitter. Criteria: GeneDx Variant Classification Process June 2021. Collection method: clinical testing. Allele origin: germline. Affected: yes.
Comment: Not observed at significant frequency in large population cohorts (gnomAD); In silico analysis supports that this missense variant does not alter protein structure/function; Has not been previously published as pathogenic or benign to our knowledge